The following is an entry in ClinVar:

NM_000059.4(BRCA2):c.1663C>T (p.Pro555Ser)

Gene: BRCA2 (BRCA2 DNA repair associated; plus strand). Cytogenetic location: 13q13.1.
Variant type: single nucleotide variant.
Coding change: c.1663C>T on transcript NM_000059.4 (MANE Select); coding-DNA position 1663, C replaced by T.
Protein change: p.Pro555Ser; replaces proline 555 with serine.
Molecular consequence: missense variant. On other transcripts: non-coding transcript variant (1), intron variant (1).
Genome position (GRCh38, 1-based): chr13:32,333,141, C>T. VCF-style: chr13-32333141-C-T. GRCh37 (hg19) VCF-style: chr13-32907278-C-T.
Other names: c.1663C>T, p.Pro555Ser (NM_001406719.1, NM_001406720.1, NM_001406721.1); c.424+2111C>T (NM_001406722.1); short protein forms P555S.
Identifiers: ClinVar variation 2708851 (VCV002708851.4), dbSNP rs876660590, ClinGen allele CA387765039.
Genomic context (GRCh38, chr13:32,333,141, plus strand): 5'-GCCTCTGAAAGTGGACTGGAAATACATACTGTTTGCTCACAGAAGGAGGACTCCTTATGT[C>T]CAAATTTAATTGATAATGGAAGCTGGCCAGCCACCACCACACAGAATTCTGTAGCTTTGA-3'
Protein context (NP_000050.3, residues 545-565): VCSQKEDSLC[Pro555Ser]NLIDNGSWPA

ClinVar aggregate classification (germline): Uncertain significance. Review status: criteria provided, multiple submitters, no conflicts (2 of 4 stars). 2 submissions from 2 submitters: Uncertain significance (2). Last evaluated 2024-06-29.

Conditions:
Hereditary cancer-predisposing syndrome. Also called: Neoplastic Syndromes, Hereditary; Tumor predisposition; Hereditary Cancer Syndrome; Hereditary neoplastic syndrome. Identifiers: Orphanet 140162, MedGen C0027672, MeSH D009386, MONDO:0015356.
Hereditary breast ovarian cancer syndrome. Also called: Hereditary breast and ovarian cancer syndrome; Hereditary breast and ovarian cancer syndrome (HBOC); Hereditary breast and/or ovarian cancer syndrome; Hereditary breast and ovarian cancer; Breast and ovarian cancer; BRCA1- and BRCA2-Associated Hereditary Breast and Ovarian Cancer. Identifiers: Orphanet 145, MedGen C0677776, MeSH D061325, MONDO:0003582. Disease mechanism: loss of function.

Submissions (2):

Ambry Genetics
Classification: Uncertain significance for Hereditary cancer-predisposing syndrome. Last evaluated: 2024-06-29. Review status: criteria provided, single submitter. Criteria: Ambry Variant Classification Scheme 2023. Collection method: clinical testing. Allele origin: germline.
Comment: The p.P555S variant (also known as c.1663C>T), located in coding exon 9 of the BRCA2 gene, results from a C to T substitution at nucleotide position 1663. The proline at codon 555 is replaced by serine, an amino acid with similar properties. This amino acid position is conserved. In addition, this alteration is predicted to be tolerated by in silico analysis. Based on the available evidence, the clinical significance of this variant remains unclear.

Labcorp Genetics (formerly Invitae), Labcorp
Classification: Uncertain significance for Hereditary breast ovarian cancer syndrome. Last evaluated: 2024-01-11. Review status: criteria provided, single submitter. Criteria: Invitae Variant Classification Sherloc (09022015). Collection method: clinical testing. Allele origin: germline.
Comment: This sequence change replaces proline, which is neutral and non-polar, with serine, which is neutral and polar, at codon 555 of the BRCA2 protein (p.Pro555Ser). This variant is not present in population databases (gnomAD no frequency). This variant has not been reported in the literature in individuals affected with BRCA2-related conditions. Advanced modeling of protein sequence and biophysical properties (such as structural, functional, and spatial information, amino acid conservation, physicochemical variation, residue mobility, and thermodynamic stability) performed at Invitae indicates that this missense variant is not expected to disrupt BRCA2 protein function with a negative predictive value of 95%. In summary, the available evidence is currently insufficient to determine the role of this variant in disease. Therefore, it has been classified as a Variant of Uncertain Significance.